The following is an entry in ClinVar:

NM_018433.6(KDM3A):c.3610C>T (p.His1204Tyr)

Gene: KDM3A (lysine demethylase 3A; plus strand). Cytogenetic location: 2p11.2.
Variant type: single nucleotide variant.
Coding change: c.3610C>T on transcript NM_018433.6 (MANE Select); coding-DNA position 3610, C replaced by T.
Protein change: p.His1204Tyr; replaces histidine 1204 with tyrosine.
Molecular consequence: missense variant.
Genome position (GRCh38, 1-based): chr2:86,490,917, C>T. VCF-style: chr2-86490917-C-T. GRCh37 (hg19) VCF-style: chr2-86718040-C-T.
Other names: c.3610C>T, p.His1204Tyr (NM_001146688.2); short protein forms H1204Y.
Identifiers: ClinVar variation 3042206 (VCV003042206.2), dbSNP rs2469488904, ClinGen allele CA347569712.
Genomic context (GRCh38, chr2:86,490,917, plus strand): 5'-CATAATATTTTGAATGTATTCTAGGTATCAGAAGAGCAAGGTCAAGAAAACCCAGCAGAC[C>T]ACGATCCTATTCATGATCAAAGCTGGTATTTAGACCGATCATTAAGAAAACGTCTTCATC-3'
Protein context (NP_060903.2, residues 1194-1214): EEQGQENPAD[His1204Tyr]DPIHDQSWYL

ClinVar aggregate classification (germline): Uncertain significance (0 of 4 stars; one submission).

Conditions:
KDM3A-related disorder. Also called: KDM3A-related condition.

Submission:

PreventionGenetics, part of Exact Sciences
Classification: Uncertain significance for KDM3A-related condition. Last evaluated: 2023-11-21. Review status: no assertion criteria provided. Collection method: clinical testing. Allele origin: germline.
Comment: The KDM3A c.3610C>T variant is predicted to result in the amino acid substitution p.His1204Tyr. To our knowledge, this variant has not been reported in the literature or in a large population database, indicating this variant is rare. At this time, the clinical significance of this variant is uncertain due to the absence of conclusive functional and genetic evidence.